The following is an entry in ClinVar:

ClinVar aggregate classification (germline): Uncertain significance (1 of 4 stars; one submission).

Conditions:
Adams-Oliver syndrome 5 (AOS5). Identifiers: Orphanet 974, MedGen C4014970, MONDO:0014459, OMIM 616028.

Submission:

Labcorp Genetics (formerly Invitae), Labcorp
Classification: Uncertain significance for Adams-Oliver syndrome 5. Last evaluated: 2020-04-23. Review status: criteria provided, single submitter. Criteria: Invitae Variant Classification Sherloc (09022015). Collection method: clinical testing. Allele origin: germline.
Comment: Algorithms developed to predict the effect of missense changes on protein structure and function (SIFT, PolyPhen-2, Align-GVGD) all suggest that this variant is likely to be disruptive, but these predictions have not been confirmed by published functional studies and their clinical significance is uncertain. In summary, the available evidence is currently insufficient to determine the role of this variant in disease. Therefore, it has been classified as a Variant of Uncertain Significance. This variant has not been reported in the literature in individuals with NOTCH1-related conditions. This variant is not present in population databases (ExAC no frequency). This sequence change replaces arginine with glycine at codon 1784 of the NOTCH1 protein (p.Arg1784Gly). The arginine residue is highly conserved and there is a moderate physicochemical difference between arginine and glycine.

NM_017617.5(NOTCH1):c.5350C>G (p.Arg1784Gly)

Gene: NOTCH1 (notch receptor 1; minus strand). Cytogenetic location: 9q34.3.
Variant type: single nucleotide variant.
Coding change: c.5350C>G on transcript NM_017617.5 (MANE Select); coding-DNA position 5350, C replaced by G.
Protein change: p.Arg1784Gly; replaces arginine 1784 with glycine.
Molecular consequence: missense variant.
Genome position (GRCh38, 1-based): chr9:136,502,306, G>C on the plus strand (C>G on the coding strand, the complement: NOTCH1 is on the minus strand). VCF-style: chr9-136502306-G-C. GRCh37 (hg19) VCF-style: chr9-139396758-G-C.
Other names: short protein forms R1784G.
Identifiers: ClinVar variation 1063758 (VCV001063758.9), dbSNP rs1843010487, ClinGen allele CA375640421.
Genomic context (GRCh38, chr9:136,502,306, plus strand): 5'-CAGAAGCAGGGGCGGCGTCCGCTCACTTGAGGCCCACGGAGTCCTCGCCGAGGGGCTCCC[G>C]CCGCTTCTTCTTGCTGGCCTCAGACACTTTGAAGCCCTCAGGGAACCAGAGCTGGCCATG-3'
Protein context (NP_060087.3, residues 1774-1794): KVSEASKKKR[Arg1784Gly]EPLGEDSVGL